The following is an entry in ClinVar:

ClinVar aggregate classification (germline): Uncertain significance (1 of 4 stars; one submission).

Conditions:
Duchenne muscular dystrophy (DMD). Also called: MUSCULAR DYSTROPHY, PSEUDOHYPERTROPHIC PROGRESSIVE, DUCHENNE TYPE; Duchenne Muscular Dystrophy (DMD). Identifiers: Orphanet 98896, MedGen C0013264, MONDO:0010679, OMIM 310200.

Submission:

Labcorp Genetics (formerly Invitae), Labcorp
Classification: Uncertain significance for Duchenne muscular dystrophy. Last evaluated: 2024-04-25. Review status: criteria provided, single submitter. Criteria: Invitae Variant Classification Sherloc (09022015). Collection method: clinical testing. Allele origin: germline.
Comment: This sequence change replaces histidine, which is basic and polar, with proline, which is neutral and non-polar, at codon 321 of the DMD protein (p.His321Pro). This variant is not present in population databases (gnomAD no frequency). This variant has not been reported in the literature in individuals affected with DMD-related conditions. An algorithm developed to predict the effect of missense changes on protein structure and function (PolyPhen-2) suggests that this variant is likely to be tolerated. In summary, the available evidence is currently insufficient to determine the role of this variant in disease. Therefore, it has been classified as a Variant of Uncertain Significance.

NM_004006.3(DMD):c.962A>C (p.His321Pro)

Gene: DMD (dystrophin; minus strand). Cytogenetic location: Xp21.1.
Variant type: single nucleotide variant.
Coding change: c.962A>C on transcript NM_004006.3 (MANE Select); coding-DNA position 962, A replaced by C.
Protein change: p.His321Pro; replaces histidine 321 with proline.
Molecular consequence: missense variant.
Genome position (GRCh38, 1-based): chrX:32,645,151, T>G on the plus strand (A>C on the coding strand, the complement: DMD is on the minus strand). VCF-style: chrX-32645151-T-G. GRCh37 (hg19) VCF-style: chrX-32663268-T-G.
Other names: c.938A>C, p.His313Pro (NM_000109.4); c.950A>C, p.His317Pro (NM_004009.3); c.593A>C, p.His198Pro (NM_004010.3); short protein forms H321P, H313P, H317P, H198P.
Identifiers: ClinVar variation 3649614 (VCV003649614.2).
Genomic context (GRCh38, chrX:32,645,151, plus strand): 5'-AGGTTTACTTCACTCTCCATCAATGAACTGCCAAATGACTTGTCTTCAGGAGCTTCCAAA[T>G]GCTGCACAATAAAATAAATTGGGTGTTACACAATTAATGTCTTTGCAGATTGTTCCAGTA-3'
Protein context (NP_003997.2, residues 311-331): DPTRSPFPSQ[His321Pro]LEAPEDKSFG